The following is an entry in ClinVar:

NM_000642.3(AGL):c.1384del (p.Trp461_Val462insTer)

Gene: AGL (amylo-alpha-1,6-glucosidase and 4-alpha-glucanotransferase; plus strand). Cytogenetic location: 1p21.2.
Variant type: Deletion.
Coding change: c.1384del on transcript NM_000642.3 (MANE Select); coding-DNA position 1384, one base deleted (G; older notation c.1384delG).
Protein change: p.Trp461_Val462insTer.
Molecular consequence: nonsense. On other transcripts: frameshift variant (10).
Genome position (GRCh38, 1-based): chr1:99,876,558, G deleted; the last of 3 consecutive G bases (chr1:99,876,556-99,876,558); deleting any one gives the same sequence. VCF-style (leftmost placement, unchanged base first): chr1-99876555-TG-T. GRCh37 (hg19) VCF-style: chr1-100342111-TG-T.
Other names: NM_000642.3(AGL):c.1384del; p.Trp461_Val462insTer; c.1384delG, p.Val462Terfs (NM_000028.3, NM_000643.3, NM_000644.3 and 2 more transcripts); c.1336delG, p.Val446Terfs (NM_000646.3); c.1183delG, p.Val395Terfs (NM_001425327.1); c.1180delG, p.Val394Terfs (NM_001425328.1, NM_001425329.1); c.1006delG, p.Val336Terfs (NM_001425332.1); c.1384del (NM_000642.2); and 1 more.
Identifiers: ClinVar variation 189080 (VCV000189080.22), dbSNP rs786204678, ClinGen allele CA274354.

ClinVar aggregate classification (germline): Pathogenic. Review status: criteria provided, multiple submitters, no conflicts (2 of 4 stars). 10 submissions from 10 submitters: Pathogenic (9). 1 of the submissions does not count toward it. Last evaluated 2025-10-29.

Conditions:
Glycogen storage disease type III (GSD3). Also called: FORBES DISEASE; Cori disease. Identifiers: Orphanet 366, MedGen C0017922, MONDO:0009291, OMIM 232400.

Submissions (10):

Variantyx, Inc.
Classification: Pathogenic for Glycogen storage disease type III. Last evaluated: 2025-10-29. Review status: criteria provided, single submitter. Criteria: Variantyx Assertion Criteria 2022. Collection method: clinical testing. Allele origin: maternal. Inheritance: Autosomal recessive inheritance. Affected: yes.
Comment: Pathogenic variants in this gene have been associated with autosomal recessive glycogen storage disease III. This variant introduces a premature termination codon in exon 11 out of 34 and is expected to result in loss of function, which is a known disease mechanism for AGL in this disorder (PVS1). This variant has been reported in the homozygous or compound heterozygous state in at least 3 unrelated affected individuals (PMID: 20648714, 34649782) (PM3), and has a 0.0033% maximum allele frequency in non-founder control populations (PM2_Supporting). Based on the current evidence, this variant is classified as pathogenic for autosomal recessive glycogen storage disease III.

Labcorp Genetics (formerly Invitae), Labcorp
Classification: Pathogenic for Glycogen storage disease type III. Last evaluated: 2025-08-26. Review status: criteria provided, single submitter. Criteria: Invitae Variant Classification Sherloc (09022015). Collection method: clinical testing. Allele origin: germline.
Comment: This sequence change creates a premature translational stop signal (p.Val462*) in the AGL gene. It is expected to result in an absent or disrupted protein product. Loss-of-function variants in AGL are known to be pathogenic (PMID: 19299494). This variant is present in population databases (rs786204678, gnomAD 0.003%). This premature translational stop signal has been observed in individuals with glycogen storage disease, type III (GSD III) (PMID: 20648714). ClinVar contains an entry for this variant (Variation ID: 189080). For these reasons, this variant has been classified as Pathogenic.

Natera, Inc.
Classification: Pathogenic for Glycogen storage disease type III. Last evaluated: 2025-02-06. Review status: criteria provided, single submitter. Criteria: Natera Variant Classification Schema (03/2026). Collection method: clinical testing. Allele origin: germline.
Comment: The c.1384delG variant in AGL is a frameshift variant predicted to shift the reading frame and introduce a stop codon. This variant is expected to result in nonsense mediated decay, truncation, or a dysfunctional protein product. This variant is rare in the general population with a frequency below the threshold expected for the associated phenotype(s). This variant has been observed in one or more individuals affected with the associated recessive disease, as either homozygous or compound heterozygous with a second variant (PMID: 20648714). Given the available evidence, this variant is classified as Pathogenic.

Baylor Genetics
Classification: Pathogenic for Glycogen storage disease type III. Last evaluated: 2023-12-15. Review status: criteria provided, single submitter. Criteria: ACMG Guidelines, 2015. Collection method: clinical testing. Allele origin: unknown.

Broad Center for Mendelian Genomics, Broad Institute of MIT and Harvard
Classification: Pathogenic for Glycogen storage disease type III. Last evaluated: 2023-01-25. Review status: criteria provided, single submitter. Criteria: ACMG Guidelines, 2015. Collection method: curation. Allele origin: germline. Inheritance: Autosomal recessive inheritance.
Comment: The p.Trp461_Val462insTer variant in AGL has been previously reported in 3 unrelated individuals with glycogen storage disease type III (PMID: 34649782, PMID: 20648714) but has been identified in 0.002% (1/34582) of Latino/Admixed American chromosomes by the Genome Aggregation Database (gnomAD; dbSNP ID: rs1383849192). Although this variant has been seen in the general population in a heterozygous state, its frequency is low enough to be consistent with a recessive carrier frequency. These three affected individuals (PMID: 34649782, PMID: 20648714) were homozygotes, which increases the likelihood that the p.Trp461_Val462insTer variant is pathogenic. This variant has also been reported in ClinVar (Variation ID: 189080) and has been interpreted as pathogenic or likely pathogenic by multiple submitters. This variant is predicted to cause a frameshift, which alters the protein‚Äôs amino acid sequence beginning at position 461 and leads to a premature termination codon 1 amino acid downstream. This alteration is then predicted to lead to a truncated or absent protein. Loss of function of the AGL gene is an established disease mechanism in autosomal recessive glycogen storage disease type III. In summary, this variant meets criteria to be classified as pathogenic for autosomal recessive glycogen storage disease type III. ACMG/AMP Criteria applied: PVS1, PM2_Supporting, PM3 (Richards 2015).

Fulgent Genetics
Classification: Pathogenic for Glycogen storage disease type III. Last evaluated: 2021-07-26. Review status: criteria provided, single submitter. Criteria: ACMG Guidelines, 2015. Collection method: clinical testing. Allele origin: unknown.

Genome-Nilou Lab
Classification: Pathogenic for Glycogen storage disease type III. Last evaluated: 2021-07-15. Review status: criteria provided, single submitter. Criteria: ACMG Guidelines, 2015. Collection method: clinical testing. Allele origin: germline. Affected: no.

Laboratory for Molecular Medicine, Mass General Brigham Personalized Medicine
Classification: Pathogenic for Glycogen storage disease type III. Last evaluated: 2020-12-15. Review status: criteria provided, single submitter. Criteria: ACMG Guidelines, 2015. Collection method: clinical testing. Allele origin: germline. Inheritance: Autosomal recessive inheritance.
Comment: The p.Val462X variant in AGL has been reported in the homozygous state in 2 Latino individuals with glycogen storage disease, type III (Goldstein 2010, PMID: 20648714). This variant has been identified in 0.003% (1/34582) of Latino chromosomes by gnomAD. However, this frequency is low enough to be consistent with a recessive allele frequency. This variant has been reported in ClinVar as pathogenic and likely pathogenic by multiple labs (Variation ID 189080). This nonsense variant leads to a premature termination codon at position 462, which is predicted to lead to a truncated or absent protein. Loss of function of the AGL gene is an established disease mechanism in autosomal recessive glycogen storage disease, type III. In summary, this variant meets criteria to be classified as pathogenic for autosomal recessive glycogen storage disease, type III. ACMG/AMP Criteria applied: PVS1, PM3, PM2_Suppporting.

Women's Health and Genetics/Laboratory Corporation of America, LabCorp
Classification: Pathogenic for Glycogen storage disease type III. Last evaluated: 2018-11-30. Review status: criteria provided, single submitter. Criteria: LabCorp Variant Classification Summary - May 2015. Collection method: clinical testing. Allele origin: germline.
Comment: Variant summary: AGL c.1384delG (p.Val462X) results in a premature termination codon, predicted to cause a truncation of the encoded protein or absence of the protein due to nonsense mediated decay, which are commonly known mechanisms for disease. Truncations downstream of this position have been classified as pathogenic by our laboratory (eg. p.Trp680X, p.Arg864X, p.Arg977X). The variant allele was found at a frequency of 4.1e-06 in 245906 control chromosomes (gnomAD). c.1384delG has been reported in the literature in homozygous individuals affected with Glycogen Storage Disease Type III (Golstein_2010). These data indicate that the variant is likely to be associated with disease. To our knowledge, no experimental evidence demonstrating an impact on protein function has been reported. A ClinVar submission from a clinical diagnostic laboratory (evaluation after 2014) cites the variant as pathogenic. Based on the evidence outlined above, the variant was classified as pathogenic.

Counsyl
Classification: Likely pathogenic for Glycogen storage disease type III. Last evaluated: 2014-12-09. Review status: no assertion criteria provided. Collection method: literature only. Allele origin: unknown. Inheritance: Autosomal recessive inheritance. Not counted in ClinVar's aggregate classification.

Literature cited by the submitters: PubMed 20648714 (cited by 6 submitters); PubMed 34649782 (cited by Variantyx, Inc.); PubMed 19299494 (cited by Labcorp Genetics (formerly Invitae), Labcorp).